The following is an entry in ClinVar:

NM_177438.3(DICER1):c.1774A>C (p.Lys592Gln)

Gene: DICER1 (dicer 1, ribonuclease III; minus strand). Cytogenetic location: 14q32.13.
Variant type: single nucleotide variant.
Coding change: c.1774A>C on transcript NM_177438.3 (MANE Select); coding-DNA position 1774, A replaced by C.
Protein change: p.Lys592Gln; replaces lysine 592 with glutamine.
Molecular consequence: missense variant. On other transcripts: non-coding transcript variant (6).
Genome position (GRCh38, 1-based): chr14:95,115,800, T>G on the plus strand (A>C on the coding strand, the complement: DICER1 is on the minus strand). VCF-style: chr14-95115800-T-G. GRCh37 (hg19) VCF-style: chr14-95582137-T-G.
Other names: c.1774A>C, p.Lys592Gln (NM_001195573.1, NM_001271282.3, NM_001291628.2 and 12 more transcripts); c.1492A>C, p.Lys498Gln (NM_001395686.1); c.1369A>C, p.Lys457Gln (NM_001395687.1, NM_001395688.1, NM_001395689.1 and 3 more transcripts); c.1207A>C, p.Lys403Gln (NM_001395691.1); c.91A>C, p.Lys31Gln (NM_001395697.1); short protein forms K31Q, K498Q, K403Q, K592Q, K457Q.
Identifiers: ClinVar variation 3501904 (VCV003501904.3).

ClinVar aggregate classification (germline): Uncertain significance. Review status: criteria provided, multiple submitters, no conflicts (2 of 4 stars). 2 submissions from 2 submitters: Uncertain significance (2). Last evaluated 2024-09-13.

Conditions:
Hereditary cancer-predisposing syndrome. Also called: Hereditary Cancer Syndrome; Hereditary neoplastic syndrome; Neoplastic Syndromes, Hereditary; Tumor predisposition. Identifiers: Orphanet 140162, MedGen C0027672, MeSH D009386, MONDO:0015356.
DICER1-related tumor predisposition. Also called: DICER1-related pleuropulmonary blastoma cancer predisposition syndrome; DICER1 syndrome. Identifiers: Orphanet 284343, MedGen C3839822, MONDO:0100216.

gnomAD v4.1: 2 of 1,614,178 alleles (0.00012%); highest among the groups gnomAD compares: South Asian, 0.0011%; no homozygotes.

Submissions (2):

Ambry Genetics
Classification: Uncertain significance for Hereditary cancer-predisposing syndrome. Last evaluated: 2024-09-13. Review status: criteria provided, single submitter. Criteria: Ambry Variant Classification Scheme 2023. Collection method: clinical testing. Allele origin: germline.
Comment: The p.K592Q variant (also known as c.1774A>C), located in coding exon 10 of the DICER1 gene, results from an A to C substitution at nucleotide position 1774. The lysine at codon 592 is replaced by glutamine, an amino acid with similar properties. This amino acid position is conserved. In addition, this alteration is predicted to be tolerated by in silico analysis. Based on the available evidence, the clinical significance of this variant remains unclear.

Labcorp Genetics (formerly Invitae), Labcorp
Classification: Uncertain significance for DICER1-related tumor predisposition. Last evaluated: 2024-05-19. Review status: criteria provided, single submitter. Criteria: Invitae Variant Classification Sherloc (09022015). Collection method: clinical testing. Allele origin: germline.
Comment: This sequence change replaces lysine, which is basic and polar, with glutamine, which is neutral and polar, at codon 592 of the DICER1 protein (p.Lys592Gln). This variant is present in population databases (rs757920193, gnomAD 0.003%). This variant has not been reported in the literature in individuals affected with DICER1-related conditions. Advanced modeling of protein sequence and biophysical properties (such as structural, functional, and spatial information, amino acid conservation, physicochemical variation, residue mobility, and thermodynamic stability) performed at Invitae indicates that this missense variant is not expected to disrupt DICER1 protein function with a negative predictive value of 80%. In summary, the available evidence is currently insufficient to determine the role of this variant in disease. Therefore, it has been classified as a Variant of Uncertain Significance.